The following is an entry in ClinVar:

ClinVar aggregate classification (germline): Uncertain significance (1 of 4 stars; one submission).

Conditions:
Dilated cardiomyopathy 1DD (CMD1DD). Identifiers: Orphanet 154, MedGen C2750995, MONDO:0013168, OMIM 613172.

Submission:

Labcorp Genetics (formerly Invitae), Labcorp
Classification: Uncertain significance for Dilated cardiomyopathy 1DD. Last evaluated: 2023-04-16. Review status: criteria provided, single submitter. Criteria: Invitae Variant Classification Sherloc (09022015). Collection method: clinical testing. Allele origin: germline.
Comment: This sequence change replaces alanine, which is neutral and non-polar, with valine, which is neutral and non-polar, at codon 168 of the RBM20 protein (p.Ala168Val). This variant is not present in population databases (gnomAD no frequency). In summary, the available evidence is currently insufficient to determine the role of this variant in disease. Therefore, it has been classified as a Variant of Uncertain Significance. Advanced modeling of protein sequence and biophysical properties (such as structural, functional, and spatial information, amino acid conservation, physicochemical variation, residue mobility, and thermodynamic stability) performed at Invitae indicates that this missense variant is not expected to disrupt RBM20 protein function. This variant has not been reported in the literature in individuals affected with RBM20-related conditions.

NM_001134363.3(RBM20):c.503C>T (p.Ala168Val)

Gene: RBM20 (RNA binding motif protein 20; plus strand). Cytogenetic location: 10q25.2.
Variant type: single nucleotide variant.
Coding change: c.503C>T on transcript NM_001134363.3 (MANE Select); coding-DNA position 503, C replaced by T.
Protein change: p.Ala168Val; replaces alanine 168 with valine.
Molecular consequence: missense variant.
Genome position (GRCh38, 1-based): chr10:110,781,112, C>T. VCF-style: chr10-110781112-C-T. GRCh37 (hg19) VCF-style: chr10-112540870-C-T.
Other names: short protein forms A168V.
Identifiers: ClinVar variation 2874934 (VCV002874934.3), dbSNP rs2493410270, ClinGen allele CA378380815.